The following is an entry in ClinVar:

NM_006766.5(KAT6A):c.749T>C (p.Val250Ala)

Gene: KAT6A (lysine acetyltransferase 6A; minus strand). Cytogenetic location: 8p11.21.
Variant type: single nucleotide variant.
Coding change: c.749T>C on transcript NM_006766.5 (MANE Select); coding-DNA position 749, T replaced by C.
Protein change: p.Val250Ala; replaces valine 250 with alanine.
Molecular consequence: missense variant.
Genome position (GRCh38, 1-based): chr8:41,981,915, A>G on the plus strand (T>C on the coding strand, the complement: KAT6A is on the minus strand). VCF-style: chr8-41981915-A-G. GRCh37 (hg19) VCF-style: chr8-41839433-A-G.
Other names: c.749T>C, p.Val250Ala (NM_001305878.2); short protein forms V250A.
Identifiers: ClinVar variation 2086386 (VCV002086386.4), dbSNP rs2486826763, ClinGen allele CA371173966.

ClinVar aggregate classification (germline): Uncertain significance (1 of 4 stars; one submission).

Allele frequency attached by ClinVar (database versions not stated): gnomAD exomes below 0.00001.
gnomAD v4.1: 6 of 1,614,036 alleles (0.00037%); highest among the groups gnomAD compares: Non-Finnish European, 0.00051%; no homozygotes.

Submission:

Labcorp Genetics (formerly Invitae), Labcorp
Classification: Uncertain significance. Last evaluated: 2022-08-21. Review status: criteria provided, single submitter. Criteria: Invitae Variant Classification Sherloc (09022015). Collection method: clinical testing. Allele origin: germline.
Comment: In summary, the available evidence is currently insufficient to determine the role of this variant in disease. Therefore, it has been classified as a Variant of Uncertain Significance. Algorithms developed to predict the effect of missense changes on protein structure and function are either unavailable or do not agree on the potential impact of this missense change (SIFT: "Tolerated"; PolyPhen-2: "Possibly Damaging"; Align-GVGD: "Class C0"). This variant has not been reported in the literature in individuals affected with KAT6A-related conditions. This variant is not present in population databases (gnomAD no frequency). This sequence change replaces valine, which is neutral and non-polar, with alanine, which is neutral and non-polar, at codon 250 of the KAT6A protein (p.Val250Ala).